The following is an entry in ClinVar:

ClinVar aggregate classification (germline): Uncertain significance (1 of 4 stars; one submission).

Conditions:
Duchenne muscular dystrophy (DMD). Also called: MUSCULAR DYSTROPHY, PSEUDOHYPERTROPHIC PROGRESSIVE, DUCHENNE TYPE; Duchenne Muscular Dystrophy (DMD). Identifiers: Orphanet 98896, MedGen C0013264, MONDO:0010679, OMIM 310200.

Submission:

Labcorp Genetics (formerly Invitae), Labcorp
Classification: Uncertain significance for Duchenne muscular dystrophy. Last evaluated: 2022-12-07. Review status: criteria provided, single submitter. Criteria: Invitae Variant Classification Sherloc (09022015). Collection method: clinical testing. Allele origin: germline.
Comment: This sequence change replaces valine, which is neutral and non-polar, with isoleucine, which is neutral and non-polar, at codon 156 of the DMD protein (p.Val156Ile). This variant is not present in population databases (gnomAD no frequency). This variant has not been reported in the literature in individuals affected with DMD-related conditions. Advanced modeling of protein sequence and biophysical properties (such as structural, functional, and spatial information, amino acid conservation, physicochemical variation, residue mobility, and thermodynamic stability) performed at Invitae indicates that this missense variant is not expected to disrupt DMD protein function. In summary, the available evidence is currently insufficient to determine the role of this variant in disease. Therefore, it has been classified as a Variant of Uncertain Significance.

NM_004006.3(DMD):c.466G>A (p.Val156Ile)

Gene: DMD (dystrophin; minus strand). Cytogenetic location: Xp21.1.
Variant type: single nucleotide variant.
Coding change: c.466G>A on transcript NM_004006.3 (MANE Select); coding-DNA position 466, G replaced by A.
Protein change: p.Val156Ile; replaces valine 156 with isoleucine.
Molecular consequence: missense variant.
Genome position (GRCh38, 1-based): chrX:32,816,532, C>T on the plus strand (G>A on the coding strand, the complement: DMD is on the minus strand). VCF-style: chrX-32816532-C-T. GRCh37 (hg19) VCF-style: chrX-32834649-C-T.
Other names: c.442G>A, p.Val148Ile (NM_000109.4); c.454G>A, p.Val152Ile (NM_004009.3); c.97G>A, p.Val33Ile (NM_004010.3); short protein forms V148I, V33I, V152I, V156I.
Identifiers: ClinVar variation 3014288 (VCV003014288.3), dbSNP rs2524325092, ClinGen allele CA412674159.
Genomic context (GRCh38, chrX:32,816,532, plus strand): 5'-GACTATGGATGAGAGCATTCAAAGCCAGGCCATCAGACCAGCTGGTGGTGAAGTTGATTA[C>T]ATTAACCTGTGGATAATTACGAGTTGATTGTCGGACCCAGCTCAGGAGAATCTTTTCACT-3'
Protein context (NP_003997.2, residues 146-166): QSTRNYPQVN[Val156Ile]INFTTSWSDG